The following is an entry in ClinVar:

NM_001077525.3(MTMR14):c.1145G>A (p.Arg382Gln)

Gene: MTMR14 (myotubularin related protein 14; plus strand). Cytogenetic location: 3p25.3.
Variant type: single nucleotide variant.
Coding change: c.1145G>A on transcript NM_001077525.3 (MANE Select); coding-DNA position 1145, G replaced by A.
Protein change: p.Arg382Gln; replaces arginine 382 with glutamine.
Molecular consequence: missense variant. On other transcripts: non-coding transcript variant (9).
Genome position (GRCh38, 1-based): chr3:9,685,228, G>A. VCF-style: chr3-9685228-G-A. GRCh37 (hg19) VCF-style: chr3-9726912-G-A.
Other names: c.1145G>A, p.Arg382Gln (NM_001077526.3, NM_022485.5); c.1214G>A, p.Arg405Gln (NM_001400518.1, NM_001400521.1); c.1142G>A, p.Arg381Gln (NM_001400519.1, NM_001400522.1); c.1070G>A, p.Arg357Gln (NM_001400520.1, NM_001400523.1, NM_001400528.1); c.899G>A, p.Arg300Gln (NM_001400524.1, NM_001400527.1, NM_001400530.1); c.503G>A, p.Arg168Gln (NM_001400535.1, NM_001400539.1, NM_001400540.1 and 7 more transcripts); c.824G>A, p.Arg275Gln (NM_001400536.1); c.788G>A, p.Arg263Gln (NM_001400537.1); and 5 more; short protein forms R263Q, R288Q, R299Q, R357Q, R168Q, R380Q, R381Q, R382Q.
Identifiers: ClinVar variation 3696370 (VCV003696370.2).
Genomic context (GRCh38, chr3:9,685,228, plus strand): 5'-TCTTGGTGCTGCTGACTTTGCCTCTCTACCCTCCTTTTTTCAGGCACATGTTGGTAGATC[G>A]GCTCAGCAAAGGGGAGGAGGTGAGTATACCACCTACGACTTGTGGGCACAGCTCAGCACT-3'
Protein context (NP_001070993.1, residues 372-392): WFLFGHMLVD[Arg382Gln]LSKGEEIFFF

ClinVar aggregate classification (germline): Uncertain significance (1 of 4 stars; one submission).

gnomAD v4.1: 2 of 1,614,040 alleles (0.00012%); highest among the groups gnomAD compares: African/African-American, 0.0013%; no homozygotes.

Submission:

Labcorp Genetics (formerly Invitae), Labcorp
Classification: Uncertain significance. Last evaluated: 2024-05-25. Review status: criteria provided, single submitter. Criteria: Invitae Variant Classification Sherloc (09022015). Collection method: clinical testing. Allele origin: germline.
Comment: This sequence change replaces arginine, which is basic and polar, with glutamine, which is neutral and polar, at codon 382 of the MTMR14 protein (p.Arg382Gln). This variant is not present in population databases (gnomAD no frequency). This variant has not been reported in the literature in individuals affected with MTMR14-related conditions. Advanced modeling of protein sequence and biophysical properties (such as structural, functional, and spatial information, amino acid conservation, physicochemical variation, residue mobility, and thermodynamic stability) has been performed at Invitae for this missense variant, however the output from this modeling did not meet the statistical confidence thresholds required to predict the impact of this variant on MTMR14 protein function. In summary, the available evidence is currently insufficient to determine the role of this variant in disease. Therefore, it has been classified as a Variant of Uncertain Significance.